The following is an entry in ClinVar:

ClinVar aggregate classification (germline): Uncertain significance (1 of 4 stars; one submission).

Conditions:
IFT172-related disorder. Also called: IFT172-related disorders; IFT172-related condition.

Submission:

PreventionGenetics, part of Exact Sciences
Classification: Uncertain significance for IFT172-related condition. Last evaluated: 2025-12-23. Review status: criteria provided, single submitter. Criteria: ACMG Guidelines, 2015. Collection method: clinical testing. Allele origin: germline.
Comment: The IFT172 c.104C>T variant is predicted to result in the amino acid substitution p.Thr35Ile. To our knowledge, this variant has not been reported in the literature or in a large population database (gnomAD), indicating this variant is rare. At this time, the clinical significance of this variant is uncertain due to the absence of conclusive functional and genetic evidence.

NM_015662.3(IFT172):c.104C>T (p.Thr35Ile)

Gene: IFT172 (intraflagellar transport 172; minus strand). Cytogenetic location: 2p23.3.
Variant type: single nucleotide variant.
Coding change: c.104C>T on transcript NM_015662.3 (MANE Select); coding-DNA position 104, C replaced by T.
Protein change: p.Thr35Ile; replaces threonine 35 with isoleucine.
Molecular consequence: missense variant.
Genome position (GRCh38, 1-based): chr2:27,485,439, G>A on the plus strand (C>T on the coding strand, the complement: IFT172 is on the minus strand). VCF-style: chr2-27485439-G-A. GRCh37 (hg19) VCF-style: chr2-27708306-G-A.
Other names: c.104C>T, p.Thr35Ile (NM_001410739.1); short protein forms T35I.
Identifiers: ClinVar variation 4991249 (VCV004991249.1).